The following is an entry in ClinVar:

NM_000059.4(BRCA2):c.280C>A (p.Pro94Thr)

Gene: BRCA2 (BRCA2 DNA repair associated; plus strand). Cytogenetic location: 13q13.1.
Variant type: single nucleotide variant.
Coding change: c.280C>A on transcript NM_000059.4 (MANE Select); coding-DNA position 280, C replaced by A.
Protein change: p.Pro94Thr; replaces proline 94 with threonine.
Molecular consequence: missense variant.
Genome position (GRCh38, 1-based): chr13:32,319,289, C>A. VCF-style: chr13-32319289-C-A. GRCh37 (hg19) VCF-style: chr13-32893426-C-A.
Other names: short protein forms P94T.
Identifiers: ClinVar variation 967569 (VCV000967569.9), dbSNP rs80358531, ClinGen allele CA387754602.

ClinVar aggregate classification (germline): Uncertain significance (1 of 4 stars; one submission).

Conditions:
Hereditary breast ovarian cancer syndrome. Also called: Hereditary breast and ovarian cancer; Hereditary breast and/or ovarian cancer syndrome; Hereditary breast and ovarian cancer syndrome; Hereditary breast and ovarian cancer syndrome (HBOC); Breast and ovarian cancer; BRCA1- and BRCA2-Associated Hereditary Breast and Ovarian Cancer. Identifiers: Orphanet 145, MedGen C0677776, MeSH D061325, MONDO:0003582. Disease mechanism: loss of function.

Submission:

Labcorp Genetics (formerly Invitae), Labcorp
Classification: Uncertain significance for Hereditary breast ovarian cancer syndrome. Last evaluated: 2019-05-10. Review status: criteria provided, single submitter. Criteria: Invitae Variant Classification Sherloc (09022015). Collection method: clinical testing. Allele origin: germline.
Comment: In summary, the available evidence is currently insufficient to determine the role of this variant in disease. Therefore, it has been classified as a Variant of Uncertain Significance. Algorithms developed to predict the effect of missense changes on protein structure and function are either unavailable or do not agree on the potential impact of this missense change (SIFT: "Tolerated"; PolyPhen-2: "Possibly Damaging"; Align-GVGD: "Class C0"). This variant has not been reported in the literature in individuals with BRCA2-related conditions. This variant is not present in population databases (ExAC no frequency). This sequence change replaces proline with threonine at codon 94 of the BRCA2 protein (p.Pro94Thr). The proline residue is moderately conserved and there is a small physicochemical difference between proline and threonine.